The following is an entry in ClinVar:

ClinVar aggregate classification (germline): Uncertain significance. Review status: criteria provided, multiple submitters, no conflicts (2 of 4 stars). 2 submissions from 2 submitters: Uncertain significance (2). Last evaluated 2025-04-20.

Conditions:
Emery-Dreifuss muscular dystrophy 5, autosomal dominant (EDMD5). Also called: EMERY-DREIFUSS MUSCULAR DYSTROPHY 5. Identifiers: Orphanet 261, MedGen C2751805, MONDO:0013072, OMIM 612999.

Allele frequency attached by ClinVar (database versions not stated): TOPMed 0.00001; gnomAD 0.00003.
gnomAD v4.1: 71 of 1,613,990 alleles (0.0044%); highest among the groups gnomAD compares: Non-Finnish European, 0.0056%; no homozygotes.

Submissions (2):

Ambry Genetics
Classification: Uncertain significance. Last evaluated: 2025-04-20. Review status: criteria provided, single submitter. Criteria: Ambry Variant Classification Scheme 2023. Collection method: clinical testing. Allele origin: germline.

Labcorp Genetics (formerly Invitae), Labcorp
Classification: Uncertain significance for Emery-Dreifuss muscular dystrophy 5, autosomal dominant. Last evaluated: 2022-03-16. Review status: criteria provided, single submitter. Criteria: Invitae Variant Classification Sherloc (09022015). Collection method: clinical testing. Allele origin: germline.
Comment: This sequence change replaces leucine, which is neutral and non-polar, with isoleucine, which is neutral and non-polar, at codon 1294 of the SYNE2 protein (p.Leu1294Ile). This variant is present in population databases (rs753815628, gnomAD 0.004%). In summary, the available evidence is currently insufficient to determine the role of this variant in disease. Therefore, it has been classified as a Variant of Uncertain Significance. Algorithms developed to predict the effect of missense changes on protein structure and function (SIFT, PolyPhen-2, Align-GVGD) all suggest that this variant is likely to be tolerated. This variant has not been reported in the literature in individuals affected with SYNE2-related conditions.

NM_182914.3(SYNE2):c.3880C>A (p.Leu1294Ile)

Gene: SYNE2 (spectrin repeat containing nuclear envelope protein 2; plus strand). Cytogenetic location: 14q23.2.
Variant type: single nucleotide variant.
Coding change: c.3880C>A on transcript NM_182914.3 (MANE Select); coding-DNA position 3880, C replaced by A.
Protein change: p.Leu1294Ile; replaces leucine 1294 with isoleucine.
Molecular consequence: missense variant.
Genome position (GRCh38, 1-based): chr14:64,002,813, C>A. VCF-style: chr14-64002813-C-A. GRCh37 (hg19) VCF-style: chr14-64469531-C-A.
Other names: c.3880C>A (NM_182914.2); c.3880C>A, p.Leu1294Ile (NM_015180.6); short protein forms L1294I.
Identifiers: ClinVar variation 2111352 (VCV002111352.5), dbSNP rs753815628, ClinGen allele CA7220093.